The following is an entry in ClinVar:

ClinVar aggregate classification (germline): Pathogenic. Review status: criteria provided, single submitter (1 of 4 stars). 2 submissions from 2 submitters: Pathogenic (1). 1 of the submissions does not count toward it. Last evaluated 2022-08-01.

Conditions:
Tuberous sclerosis syndrome (TSC). Also called: Tuberous Sclerosis Complex; Tuberous sclerosis. Identifiers: Orphanet 805, MedGen C0041341, MONDO:0001734.

Submissions (2):

CeGaT Center for Human Genetics Tuebingen
Classification: Pathogenic. Last evaluated: 2022-08-01. Review status: criteria provided, single submitter. Criteria: CeGaT Center For Human Genetics Tuebingen Variant Classification Criteria Version 2. Collection method: clinical testing. Allele origin: germline. Affected: yes. Observed: 1 variant allele.
Comment: TSC2: PVS1, PM2

Tuberous sclerosis database (TSC2)
No classification provided. Condition: TSC. Review status: no classification provided. Criteria: Tuberous Sclerosis Database Assertion Criteria 2015. Collection method: curation. Allele origin: germline. Affected: yes. Not counted in ClinVar's aggregate classification.

NM_000548.5(TSC2):c.5075_5078del (p.Glu1692fs)

Gene: TSC2 (TSC complex subunit 2; plus strand). Cytogenetic location: 16p13.3.
Variant type: Deletion.
Coding change: c.5075_5078del on transcript NM_000548.5 (MANE Select); coding-DNA positions 5075 to 5078, 4 bases deleted (AGGG; older notation c.5075_5078delAGGG).
Protein change: p.Glu1692fs; shifts the reading frame from glutamic acid 1692.
Molecular consequence: frameshift variant.
Genome position (GRCh38, 1-based): chr16:2,088,054-2,088,057, AGGG deleted; deleting any 4 consecutive bases within chr16:2,088,052-2,088,057 gives the same sequence; the c. name uses the placement nearest the transcript's 3' end. VCF-style (leftmost placement, unchanged base first): chr16-2088051-TGGAG-T. GRCh37 (hg19) VCF-style: chr16-2138052-TGGAG-T.
Other names: c.4874_4877del, p.Glu1625fs (NM_001077183.3); c.5006_5009del, p.Glu1669fs (NM_001114382.3); c.4766_4769del, p.Glu1589fs (NM_001318827.2); c.4730_4733del, p.Glu1577fs (NM_001318829.2); c.4343_4346del, p.Glu1448fs (NM_001318831.2); c.4907_4910del, p.Glu1636fs (NM_001318832.2); c.4877_4880del, p.Glu1626fs (NM_001363528.2); c.4943_4946del, p.Glu1648fs (NM_001370404.1); and 1 more; short protein forms E1589fs, E1625fs, E1649fs, E1669fs, E1636fs, E1448fs, E1626fs, E1692fs.
Identifiers: ClinVar variation 50067 (VCV000050067.32), dbSNP rs137854037, ClinGen allele CA021674.
Genomic context (GRCh38, chr16:2,088,051, plus strand): 5'-GCCCTGCAGTGTGGCGCCAAGAGCCCTGGGCCTGGCGTGACCACCAAGTCTCCCCAGACA[TGGAG>T]GGCCTTGTGGACACCAGCGTGGCCAAGATCGTGTCTGACCGCAACCTGCCCTTCGTGGCC-3'